The following is an entry in ClinVar:

NM_001291415.2(KDM6A):c.49G>A (p.Ala17Thr)

Gene: KDM6A (lysine demethylase 6A; plus strand). Cytogenetic location: Xp11.3.
Variant type: single nucleotide variant.
Coding change: c.49G>A on transcript NM_001291415.2 (MANE Select); coding-DNA position 49, G replaced by A.
Protein change: p.Ala17Thr; replaces alanine 17 with threonine.
Molecular consequence: missense variant. On other transcripts: 5 prime UTR variant (1), non-coding transcript variant (1).
Genome position (GRCh38, 1-based): chrX:44,873,600, G>A. VCF-style: chrX-44873600-G-A. GRCh37 (hg19) VCF-style: chrX-44732846-G-A.
Other names: c.49G>A (NM_021140.2); c.49G>A, p.Ala17Thr (NM_001291416.2, NM_001291417.2, NM_001291418.2 and 1 more transcripts); c.-584G>A (NM_001291421.2); short protein forms A17T.
Identifiers: ClinVar variation 1409053 (VCV001409053.7), dbSNP rs1018780128, ClinGen allele CA329555541.
Genomic context (GRCh38, chrX:44,873,600, plus strand): 5'-CGCTGCGTTTCCATGAAATCCTGCGGAGTGTCGCTCGCTACCGCCGCCGCTGCCGCCGCC[G>A]CTTTCGGTGATGAGGAAAAGAAAATGGCGGCGGGAAAAGCGAGCGGCGAGAGCGAGGAGG-3'
Protein context (NP_001278344.1, residues 7-27): SLATAAAAAA[Ala17Thr]FGDEEKKMAA

ClinVar aggregate classification (germline): Conflicting classifications of pathogenicity. Review status: criteria provided, conflicting classifications (1 of 4 stars). 2 submissions from 2 submitters: Uncertain significance (1); Likely benign (1). Last evaluated 2025-10-21.

Conditions:
Inborn genetic diseases. Identifiers: MedGen C0950123, MeSH D030342.
Kabuki syndrome 2 (KABUK2). Also called: KDM6A-Related Kabuki Syndrome. Identifiers: Orphanet 2322, MedGen C3275495, MONDO:0010465, OMIM 300867.

Allele frequency attached by ClinVar (database versions not stated): gnomAD exomes 0.00001; TOPMed 0.00002; gnomAD 0.00005.
gnomAD v4.1: 16 of 1,205,591 alleles (0.0013%); highest among the groups gnomAD compares: Non-Finnish European, 0.0018%; no homozygotes.

Submissions (2):

Ambry Genetics
Classification: Likely benign for Inborn genetic diseases. Last evaluated: 2025-10-21. Review status: criteria provided, single submitter. Criteria: Ambry Variant Classification Scheme 2023. Collection method: clinical testing. Allele origin: germline.

Labcorp Genetics (formerly Invitae), Labcorp
Classification: Uncertain significance for Kabuki syndrome 2. Last evaluated: 2023-06-01. Review status: criteria provided, single submitter. Criteria: Invitae Variant Classification Sherloc (09022015). Collection method: clinical testing. Allele origin: germline.
Comment: This sequence change replaces alanine, which is neutral and non-polar, with threonine, which is neutral and polar, at codon 17 of the KDM6A protein (p.Ala17Thr). This variant is present in population databases (no rsID available, gnomAD 0.005%), including at least one homozygous and/or hemizygous individual. This variant has not been reported in the literature in individuals affected with KDM6A-related conditions. ClinVar contains an entry for this variant (Variation ID: 1409053). In summary, the available evidence is currently insufficient to determine the role of this variant in disease. Therefore, it has been classified as a Variant of Uncertain Significance. Advanced modeling of protein sequence and biophysical properties (such as structural, functional, and spatial information, amino acid conservation, physicochemical variation, residue mobility, and thermodynamic stability) has been performed at Invitae for this missense variant, however the output from this modeling did not meet the statistical confidence thresholds required to predict the impact of this variant on KDM6A protein function.